The following is an entry in ClinVar:

NM_000052.7(ATP7A):c.83A>T (p.Gln28Leu)

Gene: ATP7A (ATPase copper transporting alpha; plus strand). Cytogenetic location: Xq21.1.
Variant type: single nucleotide variant.
Coding change: c.83A>T on transcript NM_000052.7 (MANE Select); coding-DNA position 83, A replaced by T.
Protein change: p.Gln28Leu; replaces glutamine 28 with leucine.
Molecular consequence: missense variant. On other transcripts: non-coding transcript variant (1).
Genome position (GRCh38, 1-based): chrX:77,971,724, A>T. VCF-style: chrX-77971724-A-T. GRCh37 (hg19) VCF-style: chrX-77227221-A-T.
Other names: p.Gln28Leu; c.83A>T (NM_000052.4); c.83A>T, p.Gln28Leu (NM_001282224.2); short protein forms Q28L.
Identifiers: ClinVar variation 1556260 (VCV001556260.10), dbSNP rs782146244, ClinGen allele CA10458881.
Genomic context (GRCh38, chrX:77,971,724, plus strand): 5'-ATTCTGTTACCATTTCTGTTGAGGGTATGACTTGCAATTCCTGTGTTTGGACCATTGAGC[A>T]GCAGATTGGAAAAGTGAATGGTGTGCATCACATTAAGGTAAGTTACTCTTTGGAAACTGA-3'
Protein context (NP_000043.4, residues 18-38): TCNSCVWTIE[Gln28Leu]QIGKVNGVHH

ClinVar aggregate classification (germline): Conflicting classifications of pathogenicity. Review status: criteria provided, conflicting classifications (1 of 4 stars). 3 submissions from 3 submitters: Uncertain significance (2); Likely benign (1). Last evaluated 2025-08-27.

Conditions:
Inborn genetic diseases. Identifiers: MedGen C0950123, MeSH D030342.
Menkes kinky-hair syndrome (MNK). Also called: Classic Menkes Disease; Copper transport disease; Menkes Disease. Identifiers: Orphanet 565, MedGen C0022716, MONDO:0010651, OMIM 309400.
X-linked distal spinal muscular atrophy type 3. Also called: NEURONOPATHY, DISTAL HEREDITARY MOTOR, X-LINKED; NEUROPATHY, DISTAL HEREDITARY MOTOR, X-LINKED; ATP7A-Related Distal Motor Neuropathy; SPINAL MUSCULAR ATROPHY, DISTAL, X-LINKED RECESSIVE. Identifiers: Orphanet 139557, MedGen C1845359, MONDO:0010338, OMIM 300489.
Cutis laxa, X-linked (OHS). Also called: EDS IX; Occipital horn syndrome. Identifiers: Orphanet 198, MedGen C0268353, MONDO:0010572, OMIM 304150.

Allele frequency attached by ClinVar (database versions not stated): ExAC 0.00002; gnomAD exomes below 0.00001 and 0.00001; TOPMed 0.00001.
gnomAD v4.1: 1 of 1,211,460 alleles (0.000083%); highest among the groups gnomAD compares: Non-Finnish European, 0.00011%; no homozygotes.

Submissions (3):

Mayo Clinic Laboratories, Mayo Clinic
Classification: Uncertain significance. Last evaluated: 2025-08-27. Review status: criteria provided, single submitter. Criteria: ACMG Guidelines, 2015. Collection method: clinical testing. Allele origin: germline. Observed: 1 variant allele.
Comment: PM2_supporting

Ambry Genetics
Classification: Uncertain significance for Inborn genetic diseases. Last evaluated: 2023-01-24. Review status: criteria provided, single submitter. Criteria: Ambry Variant Classification Scheme 2023. Collection method: clinical testing. Allele origin: germline.

Labcorp Genetics (formerly Invitae), Labcorp
Classification: Likely benign for X-linked distal spinal muscular atrophy type 3; Cutis laxa, X-linked; Menkes kinky-hair syndrome. Last evaluated: 2023-01-23. Review status: criteria provided, single submitter. Criteria: Invitae Variant Classification Sherloc (09022015). Collection method: clinical testing. Allele origin: germline.